The following is an entry in ClinVar:

ClinVar aggregate classification (germline): Uncertain significance (1 of 4 stars; one submission).

Conditions:
PKD1-related disorder. Also called: PKD1-related condition.

Submission:

PreventionGenetics, part of Exact Sciences
Classification: Uncertain significance for PKD1-related condition. Last evaluated: 2025-12-31. Review status: criteria provided, single submitter. Criteria: ACMG Guidelines, 2015. Collection method: clinical testing. Allele origin: germline.
Comment: The PKD1 c.9589C>T variant is not predicted to result in an amino acid change (p.=). This variant is predicted to alter splicing based on available splicing prediction programs (SpliceAI, Jaganathan et al. 2019. PubMed ID: 30661751). To our knowledge, this variant has not been reported in the literature or in a large population database (gnomAD), indicating this variant is rare. At this time, the clinical significance of this variant is uncertain due to the absence of conclusive functional and genetic evidence.

NM_001009944.3(PKD1):c.9589C>T (p.Leu3197=)

Gene: PKD1 (polycystin 1, transient receptor potential channel interacting; minus strand). Cytogenetic location: 16p13.3.
Variant type: single nucleotide variant.
Coding change: c.9589C>T on transcript NM_001009944.3 (MANE Select); coding-DNA position 9589, C replaced by T.
Protein change: p.Leu3197=; no amino-acid change (leucine 3197 retained).
Molecular consequence: synonymous variant.
Genome position (GRCh38, 1-based): chr16:2,100,289, G>A on the plus strand (C>T on the coding strand, the complement: PKD1 is on the minus strand). VCF-style: chr16-2100289-G-A. GRCh37 (hg19) VCF-style: chr16-2150290-G-A.
Other names: c.9589C>T, p.Leu3197= (NM_000296.4).
Identifiers: ClinVar variation 4992932 (VCV004992932.1).
Genomic context (GRCh38, chr16:2,100,289, plus strand): 5'-CATTGACCAGGAAGAAGGCGCTGCGTGCCGTCTGCAGGTCCCTGACGATGACGTGCTGCA[G>A]GAACCAGGCAGGGCTGAGCCCTGCAGAGGCGCAGGAGGGAGGTCAGGCTCGCAGGGCGCC-3'
Protein context (NP_001009944.3, residues 3187-3207): DNKGLSPAWF[Leu3197=]QHVIVRDLQT